The following is an entry in ClinVar:

ClinVar aggregate classification (germline): Uncertain significance (1 of 4 stars; one submission).

Submission:

Labcorp Genetics (formerly Invitae), Labcorp
Classification: Uncertain significance. Last evaluated: 2025-06-12. Review status: criteria provided, single submitter. Criteria: Invitae Variant Classification Sherloc (09022015). Collection method: clinical testing. Allele origin: germline.
Comment: This sequence change replaces proline, which is neutral and non-polar, with serine, which is neutral and polar, at codon 917 of the COL4A4 protein (p.Pro917Ser). This variant is present in population databases (no rsID available, gnomAD 0.006%). This variant has not been reported in the literature in individuals affected with COL4A4-related conditions. ClinVar contains an entry for this variant (Variation ID: 3716122). Invitae Evidence Modeling of protein sequence and biophysical properties (such as structural, functional, and spatial information, amino acid conservation, physicochemical variation, residue mobility, and thermodynamic stability) indicates that this missense variant is not expected to disrupt COL4A4 protein function with a negative predictive value of 95%. In summary, the available evidence is currently insufficient to determine the role of this variant in disease. Therefore, it has been classified as a Variant of Uncertain Significance.

NM_000092.5(COL4A4):c.2749C>T (p.Pro917Ser)

Gene: COL4A4 (collagen type IV alpha 4 chain; minus strand). Cytogenetic location: 2q36.3.
Variant type: single nucleotide variant.
Coding change: c.2749C>T on transcript NM_000092.5 (MANE Select); coding-DNA position 2749, C replaced by T.
Protein change: p.Pro917Ser; replaces proline 917 with serine.
Molecular consequence: missense variant.
Genome position (GRCh38, 1-based): chr2:227,054,705, G>A on the plus strand (C>T on the coding strand, the complement: COL4A4 is on the minus strand). VCF-style: chr2-227054705-G-A. GRCh37 (hg19) VCF-style: chr2-227919421-G-A.
Other names: short protein forms P917S.
Identifiers: ClinVar variation 3716122 (VCV003716122.2).